The following is an entry in ClinVar:

NM_005557.4(KRT16):c.1324G>A (p.Glu442Lys)

Gene: KRT16 (keratin 16; minus strand). Cytogenetic location: 17q21.2.
Variant type: single nucleotide variant.
Coding change: c.1324G>A on transcript NM_005557.4 (MANE Select); coding-DNA position 1324, G replaced by A.
Protein change: p.Glu442Lys; replaces glutamic acid 442 with lysine.
Molecular consequence: missense variant.
Genome position (GRCh38, 1-based): chr17:41,610,193, C>T on the plus strand (G>A on the coding strand, the complement: KRT16 is on the minus strand). VCF-style: chr17-41610193-C-T. GRCh37 (hg19) VCF-style: chr17-39766445-C-T.
Other names: c.1324G>A (NM_005557.3); short protein forms E442K.
Identifiers: ClinVar variation 1902641 (VCV001902641.6), dbSNP rs774567335, ClinGen allele CA399489405.

ClinVar aggregate classification (germline): Uncertain significance. Review status: criteria provided, multiple submitters, no conflicts (2 of 4 stars). 2 submissions from 2 submitters: Uncertain significance (2). Last evaluated 2024-03-01.

Conditions:
Inborn genetic diseases. Identifiers: MedGen C0950123, MeSH D030342.

Allele frequency attached by ClinVar (database versions not stated): gnomAD 0.00002.

Submissions (2):

Ambry Genetics
Classification: Uncertain significance for Inborn genetic diseases. Last evaluated: 2024-03-01. Review status: criteria provided, single submitter. Criteria: Ambry Variant Classification Scheme 2023. Collection method: clinical testing. Allele origin: germline.

Labcorp Genetics (formerly Invitae), Labcorp
Classification: Uncertain significance. Last evaluated: 2022-07-06. Review status: criteria provided, single submitter. Criteria: Invitae Variant Classification Sherloc (09022015). Collection method: clinical testing. Allele origin: germline.
Comment: This variant has not been reported in the literature in individuals affected with KRT16-related conditions. This variant is present in population databases (no rsID available, gnomAD 0.003%). This sequence change replaces glutamic acid, which is acidic and polar, with lysine, which is basic and polar, at codon 442 of the KRT16 protein (p.Glu442Lys). Advanced modeling of protein sequence and biophysical properties (such as structural, functional, and spatial information, amino acid conservation, physicochemical variation, residue mobility, and thermodynamic stability) performed at Invitae indicates that this missense variant is not expected to disrupt KRT16 protein function. In summary, the available evidence is currently insufficient to determine the role of this variant in disease. Therefore, it has been classified as a Variant of Uncertain Significance.